The following is an entry in ClinVar:

NM_139058.3(ARX):c.950G>A (p.Ser317Asn)

Gene: ARX (aristaless related homeobox; minus strand). Cytogenetic location: Xp21.3.
Variant type: single nucleotide variant.
Coding change: c.950G>A on transcript NM_139058.3 (MANE Select); coding-DNA position 950, G replaced by A.
Protein change: p.Ser317Asn; replaces serine 317 with asparagine.
Molecular consequence: missense variant.
Genome position (GRCh38, 1-based): chrX:25,013,045, C>T on the plus strand (G>A on the coding strand, the complement: ARX is on the minus strand). VCF-style: chrX-25013045-C-T. GRCh37 (hg19) VCF-style: chrX-25031162-C-T.
Other names: short protein forms S317N.
Identifiers: ClinVar variation 392996 (VCV000392996.5), dbSNP rs1057524733, ClinGen allele CA16608408.

ClinVar aggregate classification (germline): Uncertain significance. Review status: criteria provided, multiple submitters, no conflicts (2 of 4 stars). 2 submissions from 2 submitters: Uncertain significance (2). Last evaluated 2024-06-04.

Conditions:
Developmental and epileptic encephalopathy, 1 (DEE1). Also called: INFANTILE SPASM SYNDROME, X-LINKED 1; Tonic spasms with clustering, arrest of psychomotor development and hypsarrhythmia on EEG; X-Linked Infantile Spasm Syndrome; X-linked infantile spasms; West's syndrome; OHTAHARA SYNDROME, X-LINKED. Identifiers: MedGen C3463992, MONDO:0010632, OMIM 308350. Disease mechanism: loss of function.
Intellectual disability, X-linked, with or without seizures, ARX-related. Also called: MENTAL RETARDATION, X-LINKED 29; MENTAL RETARDATION, X-LINKED 32; MENTAL RETARDATION, X-LINKED 33; MENTAL RETARDATION, X-LINKED 38; MENTAL RETARDATION, X-LINKED 43; MENTAL RETARDATION, X-LINKED 76. Identifiers: Orphanet 777, MedGen C0796244, MONDO:0010317, OMIM 300419.

Submissions (2):

Labcorp Genetics (formerly Invitae), Labcorp
Classification: Uncertain significance for Developmental and epileptic encephalopathy, 1; Intellectual disability, X-linked, with or without seizures, ARX-related. Last evaluated: 2024-06-04. Review status: criteria provided, single submitter. Criteria: Invitae Variant Classification Sherloc (09022015). Collection method: clinical testing. Allele origin: germline.
Comment: This sequence change replaces serine, which is neutral and polar, with asparagine, which is neutral and polar, at codon 317 of the ARX protein (p.Ser317Asn). This variant is not present in population databases (gnomAD no frequency). This variant has not been reported in the literature in individuals affected with ARX-related conditions. ClinVar contains an entry for this variant (Variation ID: 392996). Advanced modeling of protein sequence and biophysical properties (such as structural, functional, and spatial information, amino acid conservation, physicochemical variation, residue mobility, and thermodynamic stability) has been performed at Invitae for this missense variant, however the output from this modeling did not meet the statistical confidence thresholds required to predict the impact of this variant on ARX protein function. In summary, the available evidence is currently insufficient to determine the role of this variant in disease. Therefore, it has been classified as a Variant of Uncertain Significance.

GeneDx
Classification: Uncertain significance. Last evaluated: 2023-03-27. Review status: criteria provided, single submitter. Criteria: GeneDx Variant Classification Process June 2021. Collection method: clinical testing. Allele origin: germline. Affected: yes.
Comment: Not observed at significant frequency in large population cohorts (gnomAD); In silico analysis supports that this missense variant does not alter protein structure/function; Has not been previously published as pathogenic or benign to our knowledge